The following is an entry in ClinVar:

ClinVar aggregate classification (germline): Likely benign (1 of 4 stars; one submission).

gnomAD v4.1: 253 of 518,214 alleles (0.049%); highest among the groups gnomAD compares: East Asian, 0.18%; 4 homozygotes.

Submission:

CeGaT Center for Human Genetics Tuebingen
Classification: Likely benign. Last evaluated: 2025-06-01. Review status: criteria provided, single submitter. Criteria: CeGaT Center For Human Genetics Tuebingen Variant Classification Criteria Version 2. Collection method: clinical testing. Allele origin: germline. Affected: yes. Observed: 1 variant allele.
Comment: UNC79: BS2

NM_001395159.1(UNC79):c.4574A>G (p.Tyr1525Cys)

Gene: UNC79 (unc-79 subunit of NALCN channel complex; plus strand). Cytogenetic location: 14q32.12.
Variant type: single nucleotide variant.
Coding change: c.4574A>G on transcript NM_001395159.1 (MANE Select); coding-DNA position 4574, A replaced by G.
Protein change: p.Tyr1525Cys; replaces tyrosine 1525 with cysteine.
Molecular consequence: missense variant. On other transcripts: intron variant (1).
Genome position (GRCh38, 1-based): chr14:93,621,012, A>G. VCF-style: chr14-93621012-A-G. GRCh37 (hg19) VCF-style: chr14-94087358-A-G.
Other names: c.4508A>G, p.Tyr1503Cys (NM_001346218.2); c.3857-609A>G (NM_020818.5); short protein forms Y1503C, Y1525C.
Identifiers: ClinVar variation 4083980 (VCV004083980.8).